The following is an entry in ClinVar:

NM_000277.3(PAH):c.679C>A (p.Leu227Met)

Gene: PAH (phenylalanine hydroxylase; minus strand). Cytogenetic location: 12q23.2.
Variant type: single nucleotide variant.
Coding change: c.679C>A on transcript NM_000277.3 (MANE Select); coding-DNA position 679, C replaced by A.
Protein change: p.Leu227Met; replaces leucine 227 with methionine.
Molecular consequence: missense variant.
Genome position (GRCh38, 1-based): chr12:102,855,163, G>T on the plus strand (C>A on the coding strand, the complement: PAH is on the minus strand). VCF-style: chr12-102855163-G-T. GRCh37 (hg19) VCF-style: chr12-103248941-G-T.
Other names: c.679C>A, p.Leu227Met (NM_001354304.2); short protein forms L227M.
Identifiers: ClinVar variation 2581597 (VCV002581597.1), dbSNP rs2136649242, ClinGen allele CA386296583.

ClinVar aggregate classification (germline): Uncertain significance (1 of 4 stars; one submission).

Submission:

Women's Health and Genetics/Laboratory Corporation of America, LabCorp
Classification: Uncertain significance. Last evaluated: 2023-08-09. Review status: criteria provided, single submitter. Criteria: LabCorp Variant Classification Summary - May 2015. Collection method: clinical testing. Allele origin: germline.
Comment: Variant summary: PAH c.679C>A (p.Leu227Met) results in a conservative amino acid change located in the Aromatic amino acid hydroxylase, C-terminal (IPR019774) of the encoded protein sequence. This alters a highly conserved residue (HGMD) in which two other missense variants (p.Leu227Gln, p.Leu227Val) have been classified as likely pathogenic by a ClinGen expert panel (ClinVar). Four of five in-silico tools predict a damaging effect of the variant on protein function. The variant was absent in 251326 control chromosomes (gnomAD). The available data on variant occurrences in the general population are insufficient to allow any conclusion about variant significance. c.679C>A has been reported in the literature in at least one individual affected with hyperphenylalaninemia (Su_2019). This report does not provide unequivocal conclusions about association of the variant with Phenylalanine Hydroxylase Deficiency (Phenylketonuria). To our knowledge, no experimental evidence demonstrating an impact on protein function has been reported. The following publication has been ascertained in the context of this evaluation (PMID: 31703126). No submitters have cited clinical-significance assessments for this variant to ClinVar after 2014. Based on the evidence outlined above, the variant was classified as uncertain significance.

Literature cited by the submitters: PubMed 31703126.